The following is an entry in ClinVar:

NM_003873.7(NRP1):c.474A>G (p.Ile158Met)

Genes: NRP1 (neuropilin 1; minus strand), LOC126860910 (P300/CBP strongly-dependent group 1 enhancer GRCh37_chr10:33552654-33553853; plus strand). Cytogenetic location: 10p11.22.
Variant type: single nucleotide variant.
Coding change: c.474A>G on transcript NM_003873.7 (MANE Select); coding-DNA position 474, A replaced by G.
Protein change: p.Ile158Met; replaces isoleucine 158 with methionine.
Molecular consequence: missense variant. On other transcripts: non-coding transcript variant (1).
Genome position (GRCh38, 1-based): chr10:33,263,830, T>C on the plus strand (A>G on the coding strand, the complement: NRP1 is on the minus strand). VCF-style: chr10-33263830-T-C. GRCh37 (hg19) VCF-style: chr10-33552758-T-C.
Other names: c.474A>G, p.Ile158Met (NM_001024628.3, NM_001024629.3, NM_001244972.2 and 2 more transcripts); short protein forms I158M.
Identifiers: ClinVar variation 4993193 (VCV004993193.1).

ClinVar aggregate classification (germline): Uncertain significance (1 of 4 stars; one submission).

Conditions:
NRP1-related disorder. Also called: NRP1-related condition.

Submission:

PreventionGenetics, part of Exact Sciences
Classification: Uncertain significance for NRP1-related condition. Last evaluated: 2025-11-16. Review status: criteria provided, single submitter. Criteria: ACMG Guidelines, 2015. Collection method: clinical testing. Allele origin: germline.
Comment: The NRP1 c.474A>G variant is predicted to result in the amino acid substitution p.Ile158Met. To our knowledge, this variant has not been reported in the literature or in a large population database (gnomAD), indicating this variant is rare. At this time, the clinical significance of this variant is uncertain due to the absence of conclusive functional and genetic evidence.